The following is an entry in ClinVar:

ClinVar aggregate classification (germline): Uncertain significance (1 of 4 stars; one submission).

Allele frequency attached by ClinVar (database versions not stated): ExAC 0.00001; gnomAD exomes 0.00001.

Submission:

Ambry Genetics
Classification: Uncertain significance. Last evaluated: 2024-10-14. Review status: criteria provided, single submitter. Criteria: Ambry Variant Classification Scheme 2023. Collection method: clinical testing. Allele origin: germline.
Comment: The p.P246L variant (also known as c.737C>T), located in coding exon 6 of the RINT1 gene, results from a C to T substitution at nucleotide position 737. The proline at codon 246 is replaced by leucine, an amino acid with similar properties. This amino acid position is conserved. In addition, this alteration is predicted to be tolerated by in silico analysis. Since supporting evidence is limited at this time, the clinical significance of this alteration remains unclear.

NM_021930.6(RINT1):c.737C>T (p.Pro246Leu)

Gene: RINT1 (RAD50 interactor 1; plus strand). Cytogenetic location: 7q22.3.
Variant type: single nucleotide variant.
Coding change: c.737C>T on transcript NM_021930.6 (MANE Select); coding-DNA position 737, C replaced by T.
Protein change: p.Pro246Leu; replaces proline 246 with leucine.
Molecular consequence: missense variant. On other transcripts: 5 prime UTR variant (2), non-coding transcript variant (1), intron variant (1).
Genome position (GRCh38, 1-based): chr7:105,547,231, C>T. VCF-style: chr7-105547231-C-T. GRCh37 (hg19) VCF-style: chr7-105187678-C-T.
Other names: c.503C>T, p.Pro168Leu (NM_001346599.2); c.-283C>T (NM_001346600.2); c.-186C>T (NM_001346601.2); c.-27-2824C>T (NM_001346603.2); short protein forms P168L, P246L.
Identifiers: ClinVar variation 1758603 (VCV001758603.3), dbSNP rs761011454, ClinGen allele CA4426516.
Genomic context (GRCh38, chr7:105,547,231, plus strand): 5'-TTTTCCATTGCAGTGATTTTGAGGAAATTTTAGCACAGCTTCATTGGCCATTCATCGCAC[C>T]CCCTCAATCACAAACTGTTGGCTTAAGTCGACCTGCCAGTGCCCCGGAGATATACAGTTA-3'
Protein context (NP_068749.3, residues 236-256): LAQLHWPFIA[Pro246Leu]PQSQTVGLSR